The following is an entry in ClinVar:

ClinVar aggregate classification (germline): Uncertain significance (1 of 4 stars; one submission).

Allele frequency attached by ClinVar (database versions not stated): gnomAD 0.00001; 1000 Genomes Project 30x 0.00016.
gnomAD v4.1: 1 of 1,613,336 alleles (0.000062%); no homozygotes.

Submission:

Ambry Genetics
Classification: Uncertain significance. Last evaluated: 2023-12-10. Review status: criteria provided, single submitter. Criteria: Ambry Variant Classification Scheme 2023. Collection method: clinical testing. Allele origin: germline.
Comment: The p.G861D variant (also known as c.2582G>A), located in coding exon 21 of the BUB1 gene, results from a G to A substitution at nucleotide position 2582. The glycine at codon 861 is replaced by aspartic acid, an amino acid with similar properties. This amino acid position is conserved. In addition, this alteration is predicted to be deleterious by in silico analysis. Since supporting evidence is limited at this time, the clinical significance of this alteration remains unclear.

NM_004336.5(BUB1):c.2582G>A (p.Gly861Asp)

Gene: BUB1 (BUB1 mitotic checkpoint serine/threonine kinase; minus strand). Cytogenetic location: 2q13.
Variant type: single nucleotide variant.
Coding change: c.2582G>A on transcript NM_004336.5 (MANE Select); coding-DNA position 2582, G replaced by A.
Protein change: p.Gly861Asp; replaces glycine 861 with aspartic acid.
Molecular consequence: missense variant.
Genome position (GRCh38, 1-based): chr2:110,641,685, C>T on the plus strand (G>A on the coding strand, the complement: BUB1 is on the minus strand). VCF-style: chr2-110641685-C-T. GRCh37 (hg19) VCF-style: chr2-111399262-C-T.
Other names: c.2522G>A, p.Gly841Asp (NM_001278616.2); c.2582G>A, p.Gly861Asp (NM_001278617.2); short protein forms G841D, G861D.
Identifiers: ClinVar variation 3224056 (VCV003224056.1), dbSNP rs1574313955, ClinGen allele CA348090216.